The following is an entry in ClinVar:

NM_017950.4(CCDC40):c.648C>T (p.Asp216=)

Gene: CCDC40 (coiled-coil domain 40 molecular ruler complex subunit; plus strand). Cytogenetic location: 17q25.3.
Variant type: single nucleotide variant.
Coding change: c.648C>T on transcript NM_017950.4 (MANE Select); coding-DNA position 648, C replaced by T.
Protein change: p.Asp216=; no amino-acid change (aspartic acid 216 retained).
Molecular consequence: synonymous variant.
Genome position (GRCh38, 1-based): chr17:80,047,374, C>T. VCF-style: chr17-80047374-C-T. GRCh37 (hg19) VCF-style: chr17-78021173-C-T.
Other names: p.Asp216=; c.648C>T, p.Asp216= (NM_001243342.2, NM_001330508.2).
Identifiers: ClinVar variation 414638 (VCV000414638.13), dbSNP rs375350606, ClinGen allele CA8813513.
Genomic context (GRCh38, chr17:80,047,374, plus strand): 5'-CCCAATGGGCGTCCAGCACCGCTTCCGGCTGAGCCACGGGAGCGACATCGAGTCCTCAGA[C>T]CTGGAGGAGTTCGTCTCGCAGGAGCCAGGTGCCACCCACCTGCTGAGGTCACCCTGCCCT-3'
Protein context (NP_060420.2, residues 206-226): LSHGSDIESS[Asp216=]LEEFVSQEPV

ClinVar aggregate classification (germline): Benign/Likely benign. Review status: criteria provided, multiple submitters, no conflicts (2 of 4 stars). 4 submissions from 4 submitters: Benign (1); Likely benign (3). Last evaluated 2025-12-22.

Conditions:
Primary ciliary dyskinesia. Also called: Ciliary dyskinesia. Identifiers: Orphanet 244, MedGen C0008780, MONDO:0016575, HP:0012265.

Allele frequency attached by ClinVar (database versions not stated): gnomAD exomes 0.00029; ExAC 0.00034; 1000 Genomes Project 0.00040; 1000 Genomes Project 30x 0.00047; gnomAD 0.00099 and 0.00113; ESP Exome Variant Server 0.00112; TOPMed 0.00138.
gnomAD v4.1: 319 of 1,613,526 alleles (0.02%); highest among the groups gnomAD compares: African/African-American, 0.39%; 1 homozygote.

Submissions (4):

Labcorp Genetics (formerly Invitae), Labcorp
Classification: Benign for Primary ciliary dyskinesia. Last evaluated: 2025-12-22. Review status: criteria provided, single submitter. Criteria: Invitae Variant Classification Sherloc (09022015). Collection method: clinical testing. Allele origin: germline.

Mayo Clinic Laboratories, Mayo Clinic
Classification: Likely benign. Last evaluated: 2025-10-19. Review status: criteria provided, single submitter. Criteria: ACMG Guidelines, 2015. Collection method: clinical testing. Allele origin: germline. Observed: 3 variant alleles.
Comment: BP4, BP5, BP7

Blueprint Genetics
Classification: Likely benign. Last evaluated: 2022-10-31. Review status: criteria provided, single submitter. Criteria: ACMG Guidelines, 2015. Collection method: clinical testing. Allele origin: germline.

Ambry Genetics
Classification: Likely benign for Primary ciliary dyskinesia. Last evaluated: 2016-10-14. Review status: criteria provided, single submitter. Criteria: Ambry Variant Classification Scheme 2023. Collection method: clinical testing. Allele origin: germline.